The following is an entry in ClinVar:

ClinVar aggregate classification (germline): Likely pathogenic. Review status: criteria provided, single submitter (1 of 4 stars). 2 submissions from 2 submitters: Likely pathogenic (1). 1 of the submissions does not count toward it. Last evaluated 2021-12-02.

Conditions:
Argininosuccinate lyase deficiency. Also called: ARGININOSUCCINIC ACID LYASE DEFICIENCY; ASL DEFICIENCY; Argininosuccinic aciduria. Identifiers: Orphanet 23, MedGen C0268547, MONDO:0008815, OMIM 207900, HP:0025630.

Allele frequency attached by ClinVar (database versions not stated): gnomAD exomes below 0.00001.

Submissions (2):

Labcorp Genetics (formerly Invitae), Labcorp
Classification: Likely pathogenic for Argininosuccinate lyase deficiency. Last evaluated: 2021-12-02. Review status: criteria provided, single submitter. Criteria: Invitae Variant Classification Sherloc (09022015). Collection method: clinical testing. Allele origin: germline.
Comment: ClinVar contains an entry for this variant (Variation ID: 1040658). Advanced modeling of protein sequence and biophysical properties (such as structural, functional, and spatial information, amino acid conservation, physicochemical variation, residue mobility, and thermodynamic stability) performed at Invitae indicates that this missense variant is expected to disrupt ASL protein function. This variant disrupts the p.Met360 amino acid residue in ASL. Other variant(s) that disrupt this residue have been determined to be pathogenic (PMID: 11747433; Invitae). This suggests that this residue is clinically significant, and that variants that disrupt this residue are likely to be disease-causing. In summary, the currently available evidence indicates that the variant is pathogenic, but additional data are needed to prove that conclusively. Therefore, this variant has been classified as Likely Pathogenic. This variant has not been reported in the literature in individuals affected with ASL-related conditions. This sequence change replaces methionine, which is neutral and non-polar, with isoleucine, which is neutral and non-polar, at codon 360 of the ASL protein (p.Met360Ile). This variant is not present in population databases (gnomAD no frequency).

Natera, Inc.
Classification: Uncertain significance for Argininosuccinate lyase deficiency. Last evaluated: 2020-06-21. Review status: no assertion criteria provided. Collection method: clinical testing. Allele origin: germline. Not counted in ClinVar's aggregate classification.

Literature cited by the submitters: PubMed 11747433 (cited by Labcorp Genetics (formerly Invitae), Labcorp).

NM_000048.4(ASL):c.1080G>C (p.Met360Ile)

Gene: ASL (argininosuccinate lyase; plus strand). Cytogenetic location: 7q11.21.
Variant type: single nucleotide variant.
Coding change: c.1080G>C on transcript NM_000048.4 (MANE Select); coding-DNA position 1080, G replaced by C.
Protein change: p.Met360Ile; replaces methionine 360 with isoleucine.
Molecular consequence: missense variant.
Genome position (GRCh38, 1-based): chr7:66,092,023, G>C. VCF-style: chr7-66092023-G-C. GRCh37 (hg19) VCF-style: chr7-65557010-G-C.
Other names: c.1080G>C, p.Met360Ile (NM_001024943.2); c.1020G>C, p.Met340Ile (NM_001024944.2); c.1002G>C, p.Met334Ile (NM_001024946.2); short protein forms M360I, M340I, M334I.
Identifiers: ClinVar variation 1040658 (VCV001040658.9), dbSNP rs1786857910, ClinGen allele CA367650129.
Genomic context (GRCh38, chr7:66,092,023, plus strand): 5'-CCAGGGTCCCCAGGGCTCACCACTCGCCCACCTGTGCCCCCAGATTCACCAAGAGAACAT[G>C]GGACAGGCTCTCAGCCCCGACATGCTGGCCACTGACCTTGCCTATTACCTGGTCCGCAAA-3'
Protein context (NP_000039.2, residues 350-370): ISTLQIHQEN[Met360Ile]GQALSPDMLA